The following is an entry in ClinVar:

NM_000257.4(MYH7):c.5495G>T (p.Arg1832Leu)

Gene: MYH7 (myosin heavy chain 7; minus strand). Cytogenetic location: 14q11.2.
Variant type: single nucleotide variant.
Coding change: c.5495G>T on transcript NM_000257.4 (MANE Select); coding-DNA position 5495, G replaced by T.
Protein change: p.Arg1832Leu; replaces arginine 1832 with leucine.
Molecular consequence: missense variant.
Genome position (GRCh38, 1-based): chr14:23,415,059, C>A on the plus strand (G>T on the coding strand, the complement: MYH7 is on the minus strand). VCF-style: chr14-23415059-C-A. GRCh37 (hg19) VCF-style: chr14-23884268-C-A.
Other names: c.5495G>T, p.Arg1832Leu (NM_001407004.1); short protein forms R1832L.
Identifiers: ClinVar variation 3074012 (VCV003074012.1), dbSNP rs730880820, ClinGen allele CA389035127.

ClinVar aggregate classification (germline): Uncertain significance (1 of 4 stars; one submission).

Conditions:
Cardiomyopathy (CMYO). Also called: Cardiomyopathies. Identifiers: Orphanet 167848, MedGen C0878544, MONDO:0004994, HP:0001638. Inheritance: Various modes of inheritance.

Submission:

All of Us Research Program, National Institutes of Health
Classification: Uncertain significance for Cardiomyopathy. Last evaluated: 2023-11-30. Review status: criteria provided, single submitter. Criteria: ACMG Guidelines, 2015. Collection method: clinical testing. Allele origin: germline. Inheritance: Autosomal dominant inheritance. Observed: 1 variant allele, 1 heterozygote.
Comment: This study involves interpretation of variants in research participants for the purpose of population health screening. Participant phenotype was not available at the time of variant classification. Additional details can be found in publication PMID: 35346344, PMCID: PMC8962531